The following is an entry in ClinVar:

ClinVar aggregate classification (germline): Pathogenic. Review status: criteria provided, multiple submitters, no conflicts (2 of 4 stars). 2 submissions from 2 submitters: Pathogenic (2). Last evaluated 2025-01-02.

Conditions:
Charcot-Marie-Tooth disease type 2. Also called: Charcot-Marie-Tooth type 2. Identifiers: Orphanet 64746, MedGen C0270914, MONDO:0018993.
Dilated and arrhythmogenic cardiomyopathy.

Submissions (2):

North West Genomic Laboratory Hub, Manchester University NHS Foundation Trust
Classification: Pathogenic for Dilated and arrhythmogenic cardiomyopathy. Last evaluated: 2025-01-02. Review status: criteria provided, single submitter. Criteria: ACGS Best Practice Guidelines for Variant Classification in Rare Disease 2024. Collection method: clinical testing. Allele origin: germline. Affected: yes.
Comment: PS4_Mod PVS1_VStr PM2_Mod

Labcorp Genetics (formerly Invitae), Labcorp
Classification: Pathogenic for Charcot-Marie-Tooth disease type 2. Last evaluated: 2022-07-20. Review status: criteria provided, single submitter. Criteria: Invitae Variant Classification Sherloc (09022015). Collection method: clinical testing. Allele origin: germline.
Comment: This variant is not present in population databases (gnomAD no frequency). For these reasons, this variant has been classified as Pathogenic. This premature translational stop signal has been observed in individual(s) with dilated cardiomyopathy (PMID: 29892087). This sequence change creates a premature translational stop signal (p.Glu223Aspfs*7) in the LMNA gene. It is expected to result in an absent or disrupted protein product. Loss-of-function variants in LMNA are known to be pathogenic (PMID: 18585512, 18926329).

Literature cited by the submitters: PubMed 29892087 (cited by Labcorp Genetics (formerly Invitae), Labcorp); PubMed 18585512 (cited by Labcorp Genetics (formerly Invitae), Labcorp); PubMed 18926329 (cited by Labcorp Genetics (formerly Invitae), Labcorp).

NM_170707.4(LMNA):c.669_670del (p.Glu223fs)

Gene: LMNA (lamin A/C; plus strand). Cytogenetic location: 1q22.
Variant type: Microsatellite.
Coding change: c.669_670del on transcript NM_170707.4 (MANE Select); coding-DNA positions 669 to 670, 2 bases deleted (GA; older notation c.669_670delGA).
Protein change: p.Glu223fs; shifts the reading frame from glutamic acid 223.
Molecular consequence: frameshift variant.
Genome position (GRCh38, 1-based): chr1:156,134,834-156,134,835, GA deleted; deleting any 2 consecutive bases within chr1:156,134,832-156,134,835 gives the same sequence; the c. name uses the placement nearest the transcript's 3' end. VCF-style (leftmost placement, unchanged base first): chr1-156134831-TGA-T. GRCh37 (hg19) VCF-style: chr1-156104622-TGA-T.
Other names: c.333_334del, p.Glu111fs (NM_001257374.3); c.426_427del, p.Glu142fs (NM_001282624.2); c.669_670del, p.Glu223fs (NM_001282625.2, NM_001282626.2, NM_005572.4 and 1 more transcripts); c.667_668GA[1], p.Glu223Aspfs (NM_001406983.1, NM_001406984.1, NM_001406985.1 and 2 more transcripts); c.424_425GA[1], p.Glu142Aspfs (NM_001406986.1, NM_001406987.1); c.370_371GA[1], p.Glu124Aspfs (NM_001406988.1); c.331_332GA[1], p.Glu111Aspfs (NM_001406989.1, NM_001406998.1); c.109_110GA[1], p.Glu37Aspfs (NM_001406990.1, NM_001406993.1, NM_001406995.1 and 4 more transcripts); and 1 more; short protein forms E223fs, E111fs, E142fs.
Identifiers: ClinVar variation 2169482 (VCV002169482.5), dbSNP rs2527972446, ClinGen allele CA2580611205.